The following is an entry in ClinVar:

ClinVar aggregate classification (germline): Uncertain significance (1 of 4 stars; one submission).

Conditions:
Neuroblastoma, susceptibility to, 3. Also called: ALK-Related Neuroblastic Tumor Susceptibility. Identifiers: Orphanet 635, MedGen C2751681, MONDO:0013083, OMIM 613014.

Allele frequency attached by ClinVar (database versions not stated): gnomAD exomes below 0.00001.
gnomAD v4.1: 1 of 1,612,906 alleles (0.000062%); highest among the groups gnomAD compares: Non-Finnish European, 0.000085%; no homozygotes.

Submission:

Labcorp Genetics (formerly Invitae), Labcorp
Classification: Uncertain significance for Neuroblastoma, susceptibility to, 3. Last evaluated: 2025-06-03. Review status: criteria provided, single submitter. Criteria: Invitae Variant Classification Sherloc (09022015). Collection method: clinical testing. Allele origin: germline.
Comment: This sequence change replaces leucine, which is neutral and non-polar, with phenylalanine, which is neutral and non-polar, at codon 889 of the ALK protein (p.Leu889Phe). This variant is not present in population databases (gnomAD no frequency). This variant has not been reported in the literature in individuals affected with ALK-related conditions. ClinVar contains an entry for this variant (Variation ID: 1041569). An algorithm developed to predict the effect of missense changes on protein structure and function (PolyPhen-2) suggests that this variant is likely to be tolerated. In summary, the available evidence is currently insufficient to determine the role of this variant in disease. Therefore, it has been classified as a Variant of Uncertain Significance.

NM_004304.5(ALK):c.2667G>T (p.Leu889Phe)

Gene: ALK (ALK receptor tyrosine kinase; minus strand). Cytogenetic location: 2p23.2.
Variant type: single nucleotide variant.
Coding change: c.2667G>T on transcript NM_004304.5 (MANE Select); coding-DNA position 2667, G replaced by T.
Protein change: p.Leu889Phe; replaces leucine 889 with phenylalanine.
Molecular consequence: missense variant.
Genome position (GRCh38, 1-based): chr2:29,229,032, C>A on the plus strand (G>T on the coding strand, the complement: ALK is on the minus strand). VCF-style: chr2-29229032-C-A. GRCh37 (hg19) VCF-style: chr2-29451898-C-A.
Other names: short protein forms L889F.
Identifiers: ClinVar variation 1041569 (VCV001041569.10), dbSNP rs1664104202, ClinGen allele CA346470006.